The following is an entry in ClinVar:

ClinVar aggregate classification (germline): Uncertain significance. Review status: criteria provided, multiple submitters, no conflicts (2 of 4 stars). 2 submissions from 2 submitters: Uncertain significance (2). Last evaluated 2023-09-03.

Conditions:
Hypertrophic cardiomyopathy. Also called: HYPERTROPHIC MYOCARDIOPATHY. Identifiers: Orphanet 217569, MedGen C0007194, MeSH D002312, MONDO:0005045, HP:0001639.

Submissions (2):

Labcorp Genetics (formerly Invitae), Labcorp
Classification: Uncertain significance for Hypertrophic cardiomyopathy. Last evaluated: 2023-09-03. Review status: criteria provided, single submitter. Criteria: Invitae Variant Classification Sherloc (09022015). Collection method: clinical testing. Allele origin: germline.
Comment: This variant is not present in population databases (gnomAD no frequency). In summary, the available evidence is currently insufficient to determine the role of this variant in disease. Therefore, it has been classified as a Variant of Uncertain Significance. Experimental studies and prediction algorithms are not available or were not evaluated, and the functional significance of this variant is currently unknown. ClinVar contains an entry for this variant (Variation ID: 425070). This variant has not been reported in the literature in individuals affected with TPM1-related conditions. This variant, c.408_410del, is a complex sequence change that results in the deletion of 2 and insertion of 1 amino acid(s) in the TPM1 protein (p.Lys136_Asp137delinsAsn).

CeGaT Center for Human Genetics Tuebingen
Classification: Uncertain significance. Last evaluated: 2019-12-01. Review status: criteria provided, single submitter. Criteria: CeGaT Center For Human Genetics Tuebingen Variant Classification Criteria Version 2. Collection method: clinical testing. Allele origin: germline. Affected: yes. Observed: 2 variant alleles.

NM_001018005.2(TPM1):c.408_410del (p.Lys136_Asp137delinsAsn)

Gene: TPM1 (tropomyosin 1; plus strand). Cytogenetic location: 15q22.2.
Variant type: Deletion.
Coding change: c.408_410del on transcript NM_001018005.2 (MANE Select); coding-DNA positions 408 to 410, 3 bases deleted (AGA; older notation c.408_410delAGA).
Protein change: p.Lys136_Asp137delinsAsn.
Molecular consequence: inframe indel.
Genome position (GRCh38, 1-based): chr15:63,059,596-63,059,598, AGA deleted; deleting any 3 consecutive bases within chr15:63,059,595-63,059,598 gives the same sequence; the c. name uses the placement nearest the transcript's 3' end. VCF-style (leftmost placement, unchanged base first): chr15-63059594-AAAG-A. GRCh37 (hg19) VCF-style: chr15-63351793-AAAG-A.
Other names: c.408_410del, p.Lys136_Asp137delinsAsn (NM_000366.6, NM_001018004.2, NM_001018006.2 and 6 more transcripts); c.300_302del, p.Lys100_Asp101delinsAsn (NM_001018008.2, NM_001301289.2, NM_001330344.2 and 5 more transcripts); c.534_536del, p.Lys178_Asp179delinsAsn (NM_001365778.1).
Identifiers: ClinVar variation 425070 (VCV000425070.46), dbSNP rs1064797199, ClinGen allele CA16621674.